The following is an entry in ClinVar:

NM_000815.5(GABRD):c.848-17C>T

Gene: GABRD (gamma-aminobutyric acid type A receptor subunit delta; plus strand). Cytogenetic location: 1p36.33.
Variant type: single nucleotide variant.
Coding change: c.848-17C>T on transcript NM_000815.5 (MANE Select); 17 bases into the intron before coding-DNA position 848, C replaced by T.
Molecular consequence: intron variant.
Genome position (GRCh38, 1-based): chr1:2,029,534, C>T. VCF-style: chr1-2029534-C-T. GRCh37 (hg19) VCF-style: chr1-1960973-C-T.
Identifiers: ClinVar variation 2160842 (VCV002160842.5), dbSNP rs568302498, ClinGen allele CA534824.

ClinVar aggregate classification (germline): Likely benign. Review status: criteria provided, multiple submitters, no conflicts (2 of 4 stars). 2 submissions from 2 submitters: Likely benign (2). Last evaluated 2023-12-04.

Conditions:
Idiopathic generalized epilepsy. Also called: Generalised epilepsy; EIG. Identifiers: MedGen C0270850, MONDO:0005579, OMIM 600669.

Allele frequency attached by ClinVar (database versions not stated): gnomAD exomes 0.00002.
gnomAD v4.1: 22 of 1,611,226 alleles (0.0014%); highest among the groups gnomAD compares: East Asian, 0.0022%; no homozygotes.

Submissions (2):

Women's Health and Genetics/Laboratory Corporation of America, LabCorp
Classification: Likely benign. Last evaluated: 2023-12-04. Review status: criteria provided, single submitter. Criteria: LabCorp Variant Classification Summary - May 2015. Collection method: clinical testing. Allele origin: germline.
Comment: Variant summary: GABRD c.848-17C>T alters a non-conserved nucleotide located at a position not widely known to affect splicing. Consensus agreement among computation tools predict no significant impact on normal splicing. However, these predictions have yet to be confirmed by functional studies. The variant allele was found at a frequency of 1.2e-05 in 247398 control chromosomes. The available data on variant occurrences in the general population are insufficient to allow any conclusion about variant significance. To our knowledge, no occurrence of c.848-17C>T in individuals affected with GABRD-Related Disorders and no experimental evidence demonstrating its impact on protein function have been reported. One submitter has cited clinical-significance assessments for this variant to ClinVar after 2014 and has classified the variant as likely benign. Based on the evidence outlined above, the variant was classified as likely benign.

Labcorp Genetics (formerly Invitae), Labcorp
Classification: Likely benign for Idiopathic generalized epilepsy. Last evaluated: 2022-03-01. Review status: criteria provided, single submitter. Criteria: Invitae Variant Classification Sherloc (09022015). Collection method: clinical testing. Allele origin: germline.